The following is an entry in ClinVar:

ClinVar aggregate classification (germline): Conflicting classifications of pathogenicity. Review status: criteria provided, conflicting classifications (1 of 4 stars). 13 submissions from 11 submitters: Likely pathogenic (1); Uncertain significance (10). 2 of the submissions do not count toward it. Last evaluated 2026-01-13.

Conditions:
Autoinflammatory syndrome. Identifiers: Orphanet 93665, MedGen C3890737, MONDO:0019751.
Acute febrile neutrophilic dermatosis (AFND). Also called: Sweet Syndrome; Gomm Button disease. Identifiers: Orphanet 3243, MedGen C0085077, MONDO:0011959, OMIM 608068.
Familial Mediterranean fever (FMF). Also called: Periodic peritonitis; Benign paroxysmal peritonitis; POLYSEROSITIS, FAMILIAL PAROXYSMAL; POLYSEROSITIS, RECURRENT. Identifiers: Orphanet 342, MedGen C0031069, MONDO:0018088, OMIM 249100. Disease mechanism: gain of function.
Familial Mediterranean fever, autosomal dominant. Also called: FMF, AUTOSOMAL DOMINANT; Dominant Familial Mediterranean Fever. Identifiers: Orphanet 342, MedGen C1851347, MONDO:0007601, OMIM 134610.

Allele frequency attached by ClinVar (database versions not stated): gnomAD 0.00001 and 0.00007; TOPMed 0.00001; gnomAD exomes 0.00008; ExAC 0.00012; 1000 Genomes Project 30x 0.00047; 1000 Genomes Project 0.00060.
gnomAD v4.1: 558 of 1,614,192 alleles (0.035%); highest among the groups gnomAD compares: East Asian, 1.2%; 6 homozygotes.

Submissions (13):

Women's Health and Genetics/Laboratory Corporation of America, LabCorp
Classification: Uncertain significance. Last evaluated: 2026-01-13. Review status: criteria provided, single submitter. Criteria: LabCorp Variant Classification Summary - May 2015. Collection method: clinical testing. Allele origin: germline.
Comment: Variant summary: MEFV c.1508C>G (p.Ser503Cys) results in a non-conservative amino acid change in the encoded protein sequence. Algorithms developed to predict the effect of missense changes on protein structure and function are either unavailable or do not agree on the potential impact of this missense change. The variant allele was found at a frequency of 0.00035 in 1614192 control chromosomes, predominantly at a frequency of 0.012 within the East Asian subpopulation in the gnomAD database, including 6 homozygotes. Although this frequency is not significantly higher than estimated for disease-causing variants in MEFV, the frequency within the Japanese population more specifically does exceed the estimated maximal expected allele frequency. c.1508C>G has been observed in the heterozygous state or as a presumed compound heterozygous genotype in individuals affected with Familial Mediterranean Fever (FMF), primarily in those with atypical FMF and of Japanese ancestry, without strong evidence for causality (e.g. Tsuchiya-Suzuki_2009, Berdeli_2011, Kishida_2014, Kimura_2018, Sugie_2018, Sato_2021, Ariga_2024). These data do not allow any conclusion about variant significance. At least one publication reports experimental evidence evaluating an impact on protein function. These results showed the variant did not result in an increase in spontaneous or induced cell death compared to the wildtype, suggesting no damaging effect of this variant (Honda_2021). The following publications have been ascertained in the context of this evaluation (PMID: 37206860, 21413889, 33733382, 29526930, 25261100, 33747591, 30546872, 19531756). ClinVar contains an entry for this variant (Variation ID: 457996). Based on the evidence outlined above, the variant was classified as VUS-possibly benign.

Fulgent Genetics
Classification: Uncertain significance for Familial Mediterranean fever, autosomal dominant; Familial Mediterranean fever; Acute febrile neutrophilic dermatosis. Last evaluated: 2024-05-07. Review status: criteria provided, single submitter. Criteria: ACMG Guidelines, 2015. Collection method: clinical testing. Allele origin: germline.

Baylor Genetics
Classification: Likely pathogenic for Familial Mediterranean fever, autosomal dominant. Last evaluated: 2024-03-30. Review status: criteria provided, single submitter. Criteria: ACMG Guidelines, 2015. Collection method: clinical testing. Allele origin: unknown.

Genome-Nilou Lab
Classification: Uncertain significance for Familial Mediterranean fever. Last evaluated: 2023-02-08. Review status: criteria provided, single submitter. Criteria: ACMG Guidelines, 2015. Collection method: clinical testing. Allele origin: germline.

Genome-Nilou Lab
Classification: Uncertain significance for Familial Mediterranean fever, autosomal dominant. Last evaluated: 2023-02-08. Review status: criteria provided, single submitter. Criteria: ACMG Guidelines, 2015. Collection method: clinical testing. Allele origin: germline.

Genome-Nilou Lab
Classification: Uncertain significance for Acute febrile neutrophilic dermatosis. Last evaluated: 2023-02-08. Review status: criteria provided, single submitter. Criteria: ACMG Guidelines, 2015. Collection method: clinical testing. Allele origin: germline.

Labcorp Genetics (formerly Invitae), Labcorp
Classification: Uncertain significance for Familial Mediterranean fever. Last evaluated: 2022-10-25. Review status: criteria provided, single submitter. Criteria: Invitae Variant Classification Sherloc (09022015). Collection method: clinical testing. Allele origin: germline.
Comment: This sequence change replaces serine, which is neutral and polar, with cysteine, which is neutral and slightly polar, at codon 503 of the MEFV protein (p.Ser503Cys). This variant is present in population databases (rs190705322, gnomAD 0.1%). This missense change has been observed in individual(s) with typical and atypical familial Mediterranean fever (PMID: 19531756, 21413889, 24797171, 30546872, 33747591). ClinVar contains an entry for this variant (Variation ID: 457996). Algorithms developed to predict the effect of missense changes on protein structure and function are either unavailable or do not agree on the potential impact of this missense change (SIFT: "Deleterious"; PolyPhen-2: "Probably Damaging"; Align-GVGD: "Class C0"). In summary, the available evidence is currently insufficient to determine the role of this variant in disease. Therefore, it has been classified as a Variant of Uncertain Significance.

Genome Diagnostics Laboratory, The Hospital for Sick Children
Classification: Uncertain significance for Autoinflammatory syndrome. Last evaluated: 2021-12-23. Review status: criteria provided, single submitter. Criteria: ACMG Guidelines, 2015. Collection method: clinical testing. Allele origin: germline. Affected: yes.

GeneDx
Classification: Uncertain significance. Last evaluated: 2021-03-17. Review status: criteria provided, single submitter. Criteria: GeneDx Variant Classification Process June 2021. Collection method: clinical testing. Allele origin: germline. Affected: yes.
Comment: In silico analysis supports that this missense variant has a deleterious effect on protein structure/function; Identified as a single heterozygous variant or phase unknown with other variants of uncertain significance in patients with MEFV-related disorders in published literature (Fujimoto et al., 2020; Wada et al., 2017; Kimura et al., 2018; Nakayama et al., 2017; Berdeli et al., 2011; Sugie et al., 2018); This variant is associated with the following publications: (PMID: 24252001, 31494649, 29151129, 31511485, 19531756, 24797171, 30546872, 21413889, 26247045, 27100444, 28956000, 32082075, 29526930, 29017770, 32475906, 33747591)

Blueprint Genetics
Classification: Uncertain significance. Last evaluated: 2019-12-19. Review status: criteria provided, single submitter. Criteria: ACMG Guidelines, 2015. Collection method: clinical testing. Allele origin: germline.

Mendelics
Classification: Uncertain significance for Familial Mediterranean fever. Last evaluated: 2019-05-28. Review status: criteria provided, single submitter. Criteria: Mendelics Assertion Criteria 2017. Collection method: clinical testing. Allele origin: unknown.

Natera, Inc.
Classification: Uncertain significance for Familial Mediterranean fever. Last evaluated: 2020-09-16. Review status: no assertion criteria provided. Collection method: clinical testing. Allele origin: germline. Not counted in ClinVar's aggregate classification.

Molecular Genetics Laboratory, BC Children's and BC Women's Hospitals
Classification: Uncertain significance for Familial Mediterranean Fever. Last evaluated: 2019-03-29. Review status: no assertion criteria provided. Criteria: ACMG Guidelines, 2015. Collection method: clinical testing. Allele origin: germline. Affected: yes. Not counted in ClinVar's aggregate classification.

Literature cited by the submitters: PubMed 21413889 (cited by Women's Health and Genetics/Laboratory Corporation of America, LabCorp and Labcorp Genetics (formerly Invitae), Labcorp); PubMed 19531756 (cited by Women's Health and Genetics/Laboratory Corporation of America, LabCorp and Labcorp Genetics (formerly Invitae), Labcorp); PubMed 25261100 (cited by Women's Health and Genetics/Laboratory Corporation of America, LabCorp); PubMed 29526930 (cited by Women's Health and Genetics/Laboratory Corporation of America, LabCorp); PubMed 33733382 (cited by Women's Health and Genetics/Laboratory Corporation of America, LabCorp); PubMed 37206860 (cited by Women's Health and Genetics/Laboratory Corporation of America, LabCorp); PubMed 33747591 (cited by Women's Health and Genetics/Laboratory Corporation of America, LabCorp and Labcorp Genetics (formerly Invitae), Labcorp); PubMed 30546872 (cited by Women's Health and Genetics/Laboratory Corporation of America, LabCorp and Labcorp Genetics (formerly Invitae), Labcorp); PubMed 24797171 (cited by Labcorp Genetics (formerly Invitae), Labcorp).

NM_000243.3(MEFV):c.1508C>G (p.Ser503Cys)

Gene: MEFV (MEFV innate immunity regulator, pyrin; minus strand). Cytogenetic location: 16p13.3.
Variant type: single nucleotide variant.
Coding change: c.1508C>G on transcript NM_000243.3 (MANE Select); coding-DNA position 1508, C replaced by G.
Protein change: p.Ser503Cys; replaces serine 503 with cysteine.
Molecular consequence: missense variant.
Genome position (GRCh38, 1-based): chr16:3,247,095, G>C on the plus strand (C>G on the coding strand, the complement: MEFV is on the minus strand). VCF-style: chr16-3247095-G-C. GRCh37 (hg19) VCF-style: chr16-3297095-G-C.
Other names: c.875C>G, p.Ser292Cys (NM_001198536.2); short protein forms S503C, S292C.
Identifiers: ClinVar variation 457996 (VCV000457996.19), dbSNP rs190705322, ClinGen allele CA7860112.